The following is an entry in ClinVar:

NM_000271.5(NPC1):c.2795+79C>A

Gene: NPC1 (NPC intracellular cholesterol transporter 1; minus strand). Cytogenetic location: 18q11.2.
Variant type: single nucleotide variant.
Coding change: c.2795+79C>A on transcript NM_000271.5 (MANE Select); 79 bases into the intron after coding-DNA position 2795, C replaced by A.
Molecular consequence: intron variant.
Genome position (GRCh38, 1-based): chr18:23,539,732, G>T on the plus strand (C>A on the coding strand, the complement: NPC1 is on the minus strand). VCF-style: chr18-23539732-G-T. GRCh37 (hg19) VCF-style: chr18-21119696-G-T.
Identifiers: ClinVar variation 5018151 (VCV005018151.1).

ClinVar aggregate classification (germline): Uncertain significance (1 of 4 stars; one submission).

gnomAD v4.1: 10 of 1,446,886 alleles (0.00069%); highest among the groups gnomAD compares: African/African-American, 0.014%; no homozygotes.

Submission:

GeneDx
Classification: Uncertain significance. Last evaluated: 2026-04-03. Review status: criteria provided, single submitter. Criteria: GeneDx Variant Classification Process June 2021. Collection method: clinical testing. Allele origin: germline.
Comment: In silico analysis suggests this variant may impact gene splicing. In the absence of RNA/functional studies, the actual effect of this sequence change is unknown.; No data available from control populations to assess the frequency of this variant; Has not been previously published as pathogenic or benign to our knowledge